The following is an entry in ClinVar:

ClinVar aggregate classification (germline): Uncertain significance. Review status: criteria provided, multiple submitters, no conflicts (2 of 4 stars). 2 submissions from 2 submitters: Uncertain significance (2). Last evaluated 2024-10-16.

Conditions:
Inborn genetic diseases. Identifiers: MedGen C0950123, MeSH D030342.
T-cell immunodeficiency, congenital alopecia, and nail dystrophy. Also called: Congenital alopecia and nail dystrophy associated with severe functional T-cell immunodeficiency; Pignata Guarino syndrome. Identifiers: Orphanet 169095, MedGen C1866426, MONDO:0011132, OMIM 601705.

Allele frequency attached by ClinVar (database versions not stated): gnomAD 0.00001; TOPMed 0.00002; ExAC 0.00004; gnomAD exomes 0.00004 and 0.00010.

Submissions (2):

Labcorp Genetics (formerly Invitae), Labcorp
Classification: Uncertain significance for T-cell immunodeficiency, congenital alopecia, and nail dystrophy. Last evaluated: 2024-10-16. Review status: criteria provided, single submitter. Criteria: Invitae Variant Classification Sherloc (09022015). Collection method: clinical testing. Allele origin: germline.
Comment: This sequence change replaces aspartic acid, which is acidic and polar, with asparagine, which is neutral and polar, at codon 263 of the FOXN1 protein (p.Asp263Asn). This variant is present in population databases (rs754796282, gnomAD 0.008%). This variant has not been reported in the literature in individuals affected with FOXN1-related conditions. ClinVar contains an entry for this variant (Variation ID: 536426). Invitae Evidence Modeling of protein sequence and biophysical properties (such as structural, functional, and spatial information, amino acid conservation, physicochemical variation, residue mobility, and thermodynamic stability) indicates that this missense variant is not expected to disrupt FOXN1 protein function with a negative predictive value of 80%. In summary, the available evidence is currently insufficient to determine the role of this variant in disease. Therefore, it has been classified as a Variant of Uncertain Significance.

Ambry Genetics
Classification: Uncertain significance for Inborn genetic diseases. Last evaluated: 2021-12-03. Review status: criteria provided, single submitter. Criteria: Ambry Variant Classification Scheme 2023. Collection method: clinical testing. Allele origin: germline.

NM_001369369.1(FOXN1):c.787G>A (p.Asp263Asn)

Gene: FOXN1 (forkhead box N1; plus strand). Cytogenetic location: 17q11.2.
Variant type: single nucleotide variant.
Coding change: c.787G>A on transcript NM_001369369.1 (MANE Select); coding-DNA position 787, G replaced by A.
Protein change: p.Asp263Asn; replaces aspartic acid 263 with asparagine.
Molecular consequence: missense variant.
Genome position (GRCh38, 1-based): chr17:28,529,181, G>A. VCF-style: chr17-28529181-G-A. GRCh37 (hg19) VCF-style: chr17-26856199-G-A.
Other names: c.787G>A, p.Asp263Asn (NM_003593.3); short protein forms D263N.
Identifiers: ClinVar variation 536426 (VCV000536426.5), dbSNP rs754796282, ClinGen allele CA8459347.
Genomic context (GRCh38, chr17:28,529,181, plus strand): 5'-ATACCCTACCTGGGCTCCTCACACTATCAGTACCAGCGAATGGCACCCCAGGCCAGCACC[G>A]ATGGGCACCAGCCTCTCTTCCCAAAACCCATCTATTCCTACAGGTACATTTCCCACTCTC-3'
Protein context (NP_001356298.1, residues 253-273): YQRMAPQAST[Asp263Asn]GHQPLFPKPI